The following is an entry in ClinVar:

ClinVar aggregate classification (germline): Likely benign (0 of 4 stars; one submission).

Conditions:
WLS-related disorder. Also called: WLS-related condition.

Submission:

PreventionGenetics, part of Exact Sciences
Classification: Likely benign for WLS-related condition. Last evaluated: 2023-06-08. Review status: no assertion criteria provided. Collection method: clinical testing. Allele origin: germline.
Comment: This variant is classified as likely benign based on ACMG/AMP sequence variant interpretation guidelines (Richards et al. 2015 PMID: 25741868, with internal and published modifications).

NM_024911.7(WLS):c.505-10C>A

Genes: GNG12-AS1 (GNG12, DIRAS3 and WLS antisense RNA 1; plus strand), WLS (Wnt ligand secretion mediator; minus strand). Cytogenetic location: 1p31.3.
Variant type: single nucleotide variant.
Coding change: c.505-10C>A on transcript NM_024911.7 (MANE Select); 10 bases into the intron before coding-DNA position 505, C replaced by A.
Molecular consequence: intron variant.
Genome position (GRCh38, 1-based): chr1:68,155,270, G>T on the plus strand (C>A on the coding strand, the complement: WLS is on the minus strand). VCF-style: chr1-68155270-G-T. GRCh37 (hg19) VCF-style: chr1-68620953-G-T.
Other names: c.499-10C>A (NM_001002292.4); c.232-10C>A (NM_001193334.1).
Identifiers: ClinVar variation 3053025 (VCV003053025.2), dbSNP rs930663487, ClinGen allele CA2740090784.